The following is an entry in ClinVar:

ClinVar aggregate classification (germline): Uncertain significance (1 of 4 stars; one submission).

Conditions:
KCNV2-related disorder. Also called: KCNV2-related condition.

gnomAD v4.1: 4 of 1,612,176 alleles (0.00025%); highest among the groups gnomAD compares: Non-Finnish European, 0.00034%; no homozygotes.

Submission:

PreventionGenetics, part of Exact Sciences
Classification: Uncertain significance for KCNV2-related condition. Last evaluated: 2026-08-25. Review status: criteria provided, single submitter. Criteria: ACMG Guidelines, 2015. Collection method: clinical testing. Allele origin: germline.
Comment: The KCNV2 c.418G>T variant is predicted to result in the amino acid substitution p.Asp140Tyr. To our knowledge, this variant has not been reported in the literature or in a large population database (gnomAD), indicating this variant is rare. At this time, the clinical significance of this variant is uncertain due to the absence of conclusive functional and genetic evidence.

NM_133497.4(KCNV2):c.418G>T (p.Asp140Tyr)

Gene: KCNV2 (potassium voltage-gated channel modifier subfamily V member 2; plus strand). Cytogenetic location: 9p24.2.
Variant type: single nucleotide variant.
Coding change: c.418G>T on transcript NM_133497.4 (MANE Select); coding-DNA position 418, G replaced by T.
Protein change: p.Asp140Tyr; replaces aspartic acid 140 with tyrosine.
Molecular consequence: missense variant.
Genome position (GRCh38, 1-based): chr9:2,718,157, G>T. VCF-style: chr9-2718157-G-T. GRCh37 (hg19) VCF-style: chr9-2718157-G-T.
Other names: short protein forms D140Y.
Identifiers: ClinVar variation 4988855 (VCV004988855.1).